The following is an entry in ClinVar:

NM_001868.4(CPA1):c.601G>A (p.Gly201Arg)

Gene: CPA1 (carboxypeptidase A1; plus strand). Cytogenetic location: 7q32.2.
Variant type: single nucleotide variant.
Coding change: c.601G>A on transcript NM_001868.4 (MANE Select); coding-DNA position 601, G replaced by A.
Protein change: p.Gly201Arg; replaces glycine 201 with arginine.
Molecular consequence: missense variant.
Genome position (GRCh38, 1-based): chr7:130,383,699, G>A. VCF-style: chr7-130383699-G-A. GRCh37 (hg19) VCF-style: chr7-130023540-G-A.
Other names: short protein forms G201R.
Identifiers: ClinVar variation 1751117 (VCV001751117.4), dbSNP rs782234205, ClinGen allele CA4484871.

ClinVar aggregate classification (germline): Uncertain significance (1 of 4 stars; one submission).

Conditions:
Hereditary pancreatitis (PCTT). Also called: Hereditary chronic pancreatitis; PRSS1-Related Hereditary Pancreatitis. Identifiers: Orphanet 676, MedGen C0238339, MONDO:0008185, OMIM 167800.

Allele frequency attached by ClinVar (database versions not stated): gnomAD 0.00001; TOPMed 0.00001; ExAC 0.00006.
gnomAD v4.1: 25 of 1,613,738 alleles (0.0015%); highest among the groups gnomAD compares: Admixed American, 0.0083%; no homozygotes.

Submission:

Ambry Genetics
Classification: Uncertain significance for Hereditary pancreatitis. Last evaluated: 2025-05-05. Review status: criteria provided, single submitter. Criteria: Ambry Variant Classification Scheme 2023. Collection method: clinical testing. Allele origin: germline.
Comment: The p.G201R variant (also known as c.601G>A), located in coding exon 6 of the CPA1 gene, results from a G to A substitution at nucleotide position 601. The glycine at codon 201 is replaced by arginine, an amino acid with dissimilar properties. This amino acid position is not well conserved in available vertebrate species, and arginine is the reference amino acid in other vertebrate species. In addition, this alteration is predicted to be tolerated by in silico analysis. Since supporting evidence is limited at this time, the clinical significance of this alteration remains unclear.